The following is an entry in ClinVar:

NM_001102564.3(IFT43):c.503G>A (p.Arg168Gln)

Gene: IFT43 (intraflagellar transport 43; plus strand). Cytogenetic location: 14q24.3.
Variant type: single nucleotide variant.
Coding change: c.503G>A on transcript NM_001102564.3 (MANE Select); coding-DNA position 503, G replaced by A.
Protein change: p.Arg168Gln; replaces arginine 168 with glutamine.
Molecular consequence: missense variant. On other transcripts: non-coding transcript variant (2).
Genome position (GRCh38, 1-based): chr14:76,083,285, G>A. VCF-style: chr14-76083285-G-A. GRCh37 (hg19) VCF-style: chr14-76549628-G-A.
Other names: c.518G>A, p.Arg173Gln (NM_052873.3); c.518G>A (NM_052873.2); short protein forms R168Q, R173Q.
Identifiers: ClinVar variation 2166533 (VCV002166533.5), dbSNP rs369282525, ClinGen allele CA7280928.

ClinVar aggregate classification (germline): Uncertain significance. Review status: criteria provided, multiple submitters, no conflicts (2 of 4 stars). 2 submissions from 2 submitters: Uncertain significance (2). Last evaluated 2025-01-19.

Allele frequency attached by ClinVar (database versions not stated): gnomAD 0.00001; TOPMed 0.00002; ExAC 0.00003; ESP Exome Variant Server 0.00008.

Submissions (2):

Ambry Genetics
Classification: Uncertain significance. Last evaluated: 2025-01-19. Review status: criteria provided, single submitter. Criteria: Ambry Variant Classification Scheme 2023. Collection method: clinical testing. Allele origin: germline.

Labcorp Genetics (formerly Invitae), Labcorp
Classification: Uncertain significance. Last evaluated: 2022-07-28. Review status: criteria provided, single submitter. Criteria: Invitae Variant Classification Sherloc (09022015). Collection method: clinical testing. Allele origin: germline.
Comment: This sequence change replaces arginine, which is basic and polar, with glutamine, which is neutral and polar, at codon 173 of the IFT43 protein (p.Arg173Gln). This variant is present in population databases (rs369282525, gnomAD 0.02%). This variant has not been reported in the literature in individuals affected with IFT43-related conditions. Algorithms developed to predict the effect of missense changes on protein structure and function (SIFT, PolyPhen-2, Align-GVGD) all suggest that this variant is likely to be tolerated. In summary, the available evidence is currently insufficient to determine the role of this variant in disease. Therefore, it has been classified as a Variant of Uncertain Significance.